The following is an entry in ClinVar:

NM_015692.5(CPAMD8):c.4027+2T>C

Gene: CPAMD8 (C3 and PZP like alpha-2-macroglobulin domain containing 8; minus strand). Cytogenetic location: 19p13.11.
Variant type: single nucleotide variant.
Coding change: c.4027+2T>C on transcript NM_015692.5 (MANE Select); the canonical splice donor site of the intron after coding-DNA position 4027, T replaced by C.
Molecular consequence: splice donor variant.
Genome position (GRCh38, 1-based): chr19:16,906,950, A>G on the plus strand (T>C on the coding strand, the complement: CPAMD8 is on the minus strand). VCF-style: chr19-16906950-A-G. GRCh37 (hg19) VCF-style: chr19-17017760-A-G.
Identifiers: ClinVar variation 4852625 (VCV004852625.2).
Genomic context (GRCh38, chr19:16,906,950, plus strand): 5'-TACCAGACTCCACAGTGGGCTTCCCGACGCTGTGGCCTCTGGGGAGGGCCAGGGACACCT[A>G]CCTCGCATGATGGCCAGGCTACGGAGCTTGCGCAGTGCCTCAGGGGCTGCCGGGCTGCGG-3'

ClinVar aggregate classification (germline): Likely pathogenic (1 of 4 stars; one submission).

gnomAD v4.1: 3 of 1,580,350 alleles (0.00019%); highest among the groups gnomAD compares: Non-Finnish European, 0.00026%; no homozygotes.

Submission:

Dasa
Classification: Likely pathogenic. Last evaluated: 2024-07-15. Review status: criteria provided, single submitter. Criteria: DASA Assertion Criteria. Collection method: clinical testing. Allele origin: germline.
Comment: NM_015692.5(CPAMD8):c.4027+2T>C affects a canonical splice site and is predicted to disrupt normal RNA splicing. Loss of function is an established disease mechanism for CPAMD8-associated disorders. Also, this variant is rare in population databases. Based on the currently available evidence, this variant is classified as likely pathogenic.